The following is an entry in ClinVar:

ClinVar aggregate classification (germline): Uncertain significance (1 of 4 stars; one submission).

Conditions:
3-methylcrotonyl-CoA carboxylase 2 deficiency. Also called: METHYLCROTONYLGLYCINURIA, TYPE II; 3 alpha methylcrotonyl-CoA carboxylase 2 deficiency; 3 alpha methylcrotonylglycinuria 2; MCC 2 deficiency; Methylcrotonylglycinuria type 2. Identifiers: Orphanet 6, MedGen C1859499, MONDO:0008862, OMIM 210210.

Submission:

Labcorp Genetics (formerly Invitae), Labcorp
Classification: Uncertain significance for 3-methylcrotonyl-CoA carboxylase 2 deficiency. Last evaluated: 2025-08-31. Review status: criteria provided, single submitter. Criteria: Invitae Variant Classification Sherloc (09022015). Collection method: clinical testing. Allele origin: germline.
Comment: This sequence change replaces alanine, which is neutral and non-polar, with proline, which is neutral and non-polar, at codon 524 of the MCCC2 protein (p.Ala524Pro). This variant is not present in population databases (gnomAD no frequency). This variant has not been reported in the literature in individuals affected with MCCC2-related conditions. ClinVar contains an entry for this variant (Variation ID: 1410173). Invitae Evidence Modeling of protein sequence and biophysical properties (such as structural, functional, and spatial information, amino acid conservation, physicochemical variation, residue mobility, and thermodynamic stability) indicates that this missense variant is expected to disrupt MCCC2 protein function with a positive predictive value of 80%. In summary, the available evidence is currently insufficient to determine the role of this variant in disease. Therefore, it has been classified as a Variant of Uncertain Significance.

NM_022132.5(MCCC2):c.1570G>C (p.Ala524Pro)

Gene: MCCC2 (methylcrotonyl-CoA carboxylase subunit 2; plus strand). Cytogenetic location: 5q13.2.
Variant type: single nucleotide variant.
Coding change: c.1570G>C on transcript NM_022132.5 (MANE Select); coding-DNA position 1570, G replaced by C.
Protein change: p.Ala524Pro; replaces alanine 524 with proline.
Molecular consequence: missense variant.
Genome position (GRCh38, 1-based): chr5:71,652,750, G>C. VCF-style: chr5-71652750-G-C. GRCh37 (hg19) VCF-style: chr5-70948577-G-C.
Other names: c.1456G>C, p.Ala486Pro (NM_001363147.1); short protein forms A486P, A524P.
Identifiers: ClinVar variation 1410173 (VCV001410173.6), dbSNP rs774241918, ClinGen allele CA360002012.